The following is an entry in ClinVar:

ClinVar aggregate classification (germline): Uncertain significance. Review status: criteria provided, multiple submitters, no conflicts (2 of 4 stars). 3 submissions from 3 submitters: Uncertain significance (3). Last evaluated 2024-04-19.

Conditions:
Inborn genetic diseases. Identifiers: MedGen C0950123, MeSH D030342.

Allele frequency attached by ClinVar (database versions not stated): gnomAD exomes 0.00006; ExAC 0.00013; gnomAD 0.00027 and 0.00030; ESP Exome Variant Server 0.00034; 1000 Genomes Project 0.00040; TOPMed 0.00044; 1000 Genomes Project 30x 0.00047.
gnomAD v4.1: 84 of 1,428,640 alleles (0.0059%); highest among the groups gnomAD compares: African/African-American, 0.12%; 1 homozygote.

Submissions (3):

Ambry Genetics
Classification: Uncertain significance for Inborn genetic diseases. Last evaluated: 2024-04-19. Review status: criteria provided, single submitter. Criteria: Ambry Variant Classification Scheme 2023. Collection method: clinical testing. Allele origin: germline.

GeneDx
Classification: Uncertain significance. Last evaluated: 2018-05-29. Review status: criteria provided, single submitter. Criteria: GeneDx Variant Classification (06012015). Collection method: clinical testing. Allele origin: germline. Affected: yes.
Comment: The R865K variant in the SCARF2 gene has not been reported previously as a pathogenic variant, nor as a benign variant, to our knowledge. The R865K variant is not observed in large population cohorts (Lek et al., 2016). The R865K variant is a conservative amino acid substitution, which is not likely to impact secondary protein structure as these residues share similar properties. We interpret R865K as a variant of uncertain significance.

Breakthrough Genomics
Classification: Uncertain significance. Review status: criteria provided, single submitter. Criteria: ACMG Guidelines, 2015. Collection method: not provided. Allele origin: germline. Inheritance: Autosomal dominant inheritance. Affected: yes.

NM_182895.5(SCARF2):c.2579G>A (p.Arg860Lys)

Gene: SCARF2 (scavenger receptor class F member 2; minus strand). Cytogenetic location: 22q11.21.
Variant type: single nucleotide variant.
Coding change: c.2579G>A on transcript NM_182895.5 (MANE Select); coding-DNA position 2579, G replaced by A.
Protein change: p.Arg860Lys; replaces arginine 860 with lysine.
Molecular consequence: missense variant.
Genome position (GRCh38, 1-based): chr22:20,425,397, C>T on the plus strand (G>A on the coding strand, the complement: SCARF2 is on the minus strand). VCF-style: chr22-20425397-C-T. GRCh37 (hg19) VCF-style: chr22-20779687-C-T.
Other names: c.2594G>A, p.Arg865Lys (NM_153334.7); c.2591G>A (NM_153334.4); short protein forms R865K, R860K.
Identifiers: ClinVar variation 546573 (VCV000546573.4), dbSNP rs367657189, ClinGen allele CA10112130.